The following is an entry in ClinVar:

ClinVar aggregate classification (germline): Uncertain significance (1 of 4 stars; one submission).

Conditions:
ANKRD1-related dilated cardiomyopathy. Identifiers: MedGen CN119551.

gnomAD v4.1: 2 of 1,608,566 alleles (0.00012%); highest among the groups gnomAD compares: Non-Finnish European, 0.00017%; no homozygotes.

Submission:

Labcorp Genetics (formerly Invitae), Labcorp
Classification: Uncertain significance for ANKRD1-related dilated cardiomyopathy. Last evaluated: 2024-07-08. Review status: criteria provided, single submitter. Criteria: Invitae Variant Classification Sherloc (09022015). Collection method: clinical testing. Allele origin: germline.
Comment: This sequence change replaces leucine, which is neutral and non-polar, with valine, which is neutral and non-polar, at codon 81 of the ANKRD1 protein (p.Leu81Val). This variant is present in population databases (no rsID available, gnomAD 0.003%). This variant has not been reported in the literature in individuals affected with ANKRD1-related conditions. Advanced modeling of protein sequence and biophysical properties (such as structural, functional, and spatial information, amino acid conservation, physicochemical variation, residue mobility, and thermodynamic stability) performed at Invitae indicates that this missense variant is not expected to disrupt ANKRD1 protein function with a negative predictive value of 80%. In summary, the available evidence is currently insufficient to determine the role of this variant in disease. Therefore, it has been classified as a Variant of Uncertain Significance.

NM_014391.3(ANKRD1):c.241C>G (p.Leu81Val)

Gene: ANKRD1 (ankyrin repeat domain 1; minus strand). Cytogenetic location: 10q23.31.
Variant type: single nucleotide variant.
Coding change: c.241C>G on transcript NM_014391.3 (MANE Select); coding-DNA position 241, C replaced by G.
Protein change: p.Leu81Val; replaces leucine 81 with valine.
Molecular consequence: missense variant.
Genome position (GRCh38, 1-based): chr10:90,919,235, G>C on the plus strand (C>G on the coding strand, the complement: ANKRD1 is on the minus strand). VCF-style: chr10-90919235-G-C. GRCh37 (hg19) VCF-style: chr10-92678992-G-C.
Other names: short protein forms L81V.
Identifiers: ClinVar variation 3728801 (VCV003728801.2).